The following is an entry in ClinVar:

NM_015235.3(CSTF2T):c.819C>T (p.Pro273=)

Genes: CSTF2T (cleavage stimulation factor subunit 2 tau variant; minus strand), PRKG1 (protein kinase cGMP-dependent 1; plus strand). Cytogenetic location: 10q21.1.
Variant type: single nucleotide variant.
Coding change: c.819C>T on transcript NM_015235.3 (MANE Select); coding-DNA position 819, C replaced by T.
Protein change: p.Pro273=; no amino-acid change (proline 273 retained).
Molecular consequence: synonymous variant. On other transcripts: intron variant (3).
Genome position (GRCh38, 1-based): chr10:51,698,731, G>A on the plus strand (C>T on the coding strand, the complement: CSTF2T is on the minus strand). VCF-style: chr10-51698731-G-A. GRCh37 (hg19) VCF-style: chr10-53458491-G-A.
Other names: c.548-105854G>A (NM_001098512.3); c.593-105854G>A (NM_006258.4, NM_001374782.1).
Identifiers: ClinVar variation 4873109 (VCV004873109.2).

ClinVar aggregate classification (germline): Likely benign (1 of 4 stars; one submission).

gnomAD v4.1: 23 of 1,614,068 alleles (0.0014%); highest among the groups gnomAD compares: South Asian, 0.0022%; no homozygotes.

Submission:

CeGaT Center for Human Genetics Tuebingen
Classification: Likely benign. Last evaluated: 2026-04-01. Review status: criteria provided, single submitter. Criteria: CeGaT Center For Human Genetics Tuebingen Variant Classification Criteria Version 2. Collection method: clinical testing. Allele origin: germline. Affected: yes. Observed: 1 variant allele.
Comment: CSTF2T: BP4, BP7